The following is an entry in ClinVar:

NM_001379291.1(BRD4):c.992C>T (p.Pro331Leu)

Gene: BRD4 (bromodomain containing 4; minus strand). Cytogenetic location: 19p13.12.
Variant type: single nucleotide variant.
Coding change: c.992C>T on transcript NM_001379291.1 (MANE Select); coding-DNA position 992, C replaced by T.
Protein change: p.Pro331Leu; replaces proline 331 with leucine.
Molecular consequence: missense variant.
Genome position (GRCh38, 1-based): chr19:15,264,624, G>A on the plus strand (C>T on the coding strand, the complement: BRD4 is on the minus strand). VCF-style: chr19-15264624-G-A. GRCh37 (hg19) VCF-style: chr19-15375435-G-A.
Other names: c.992C>T, p.Pro331Leu (NM_001330384.2, NM_001379292.1, NM_014299.3 and 1 more transcripts); short protein forms P331L.
Identifiers: ClinVar variation 3348310 (VCV003348310.1).
Genomic context (GRCh38, chr19:15,264,624, plus strand): 5'-GAGACCTTGCTGCTCTTCTCTGGTGCTGGGTGCTGCTGAGAGTCGGGCACGTCCTTCTTT[G>A]GAGGTTTCACAGGCCGGCTGCTCTCCCGCCGCTGGCCCAGCTTGGTGGTCTTGGGCTCCG-3'
Protein context (NP_001366220.1, residues 321-341): RRESSRPVKP[Pro331Leu]KKDVPDSQQH

ClinVar aggregate classification (germline): Uncertain significance (0 of 4 stars; one submission).

Conditions:
BRD4-related disorder. Also called: BRD4-related condition.

gnomAD v4.1: 2 of 1,613,986 alleles (0.00012%); highest among the groups gnomAD compares: South Asian, 0.0011%; no homozygotes.

Submission:

PreventionGenetics, part of Exact Sciences
Classification: Uncertain significance for BRD4-related condition. Last evaluated: 2024-04-25. Review status: no assertion criteria provided. Collection method: clinical testing. Allele origin: germline.
Comment: The BRD4 c.992C>T variant is predicted to result in the amino acid substitution p.Pro331Leu. To our knowledge, this variant has not been reported in the literature. This variant is reported in 0.0033% of alleles in individuals of South Asian descent in gnomAD. At this time, the clinical significance of this variant is uncertain due to the absence of conclusive functional and genetic evidence.